The following is an entry in ClinVar:

ClinVar aggregate classification (germline): Uncertain significance (1 of 4 stars; one submission).

Conditions:
Dilated cardiomyopathy 1DD (CMD1DD). Identifiers: Orphanet 154, MedGen C2750995, MONDO:0013168, OMIM 613172.

Allele frequency attached by ClinVar (database versions not stated): gnomAD below 0.00001 and 0.00001; gnomAD exomes 0.00001 and 0.00002; ExAC 0.00009.
gnomAD v4.1: 9 of 1,479,664 alleles (0.00061%); highest among the groups gnomAD compares: South Asian, 0.011%; no homozygotes.

Submission:

Labcorp Genetics (formerly Invitae), Labcorp
Classification: Uncertain significance for Dilated cardiomyopathy 1DD. Last evaluated: 2020-02-12. Review status: criteria provided, single submitter. Criteria: Invitae Variant Classification Sherloc (09022015). Collection method: clinical testing. Allele origin: germline.
Comment: This sequence change replaces asparagine with serine at codon 826 of the RBM20 protein (p.Asn826Ser). The asparagine residue is highly conserved and there is a small physicochemical difference between asparagine and serine. While this variant is present in population databases (rs773581304), the frequency information is unreliable, as metrics indicate poor data quality at this position in the ExAC database. This variant has not been reported in the literature in individuals with RBM20-related conditions. Algorithms developed to predict the effect of missense changes on protein structure and function output the following: SIFT: "Deleterious"; PolyPhen-2: "Benign"; Align-GVGD: "Class C0". The serine amino acid residue is found in multiple mammalian species, suggesting that this missense change does not adversely affect protein function. These predictions have not been confirmed by published functional studies and their clinical significance is uncertain. Algorithms developed to predict the effect of sequence changes on RNA splicing suggest that this variant may create or strengthen a splice site, but this prediction has not been confirmed by published transcriptional studies. In summary, the available evidence is currently insufficient to determine the role of this variant in disease. Therefore, it has been classified as a Variant of Uncertain Significance.

NM_001134363.3(RBM20):c.2477A>G (p.Asn826Ser)

Gene: RBM20 (RNA binding motif protein 20; plus strand). Cytogenetic location: 10q25.2.
Variant type: single nucleotide variant.
Coding change: c.2477A>G on transcript NM_001134363.3 (MANE Select); coding-DNA position 2477, A replaced by G.
Protein change: p.Asn826Ser; replaces asparagine 826 with serine.
Molecular consequence: missense variant.
Genome position (GRCh38, 1-based): chr10:110,812,874, A>G. VCF-style: chr10-110812874-A-G. GRCh37 (hg19) VCF-style: chr10-112572632-A-G.
Other names: short protein forms N826S.
Identifiers: ClinVar variation 1019765 (VCV001019765.8), dbSNP rs773581304, ClinGen allele CA5688696.